The following is an entry in ClinVar:

NM_032217.5(ANKRD17):c.3752A>G (p.Asn1251Ser)

Gene: ANKRD17 (ankyrin repeat domain 17; minus strand). Cytogenetic location: 4q13.3.
Variant type: single nucleotide variant.
Coding change: c.3752A>G on transcript NM_032217.5 (MANE Select); coding-DNA position 3752, A replaced by G.
Protein change: p.Asn1251Ser; replaces asparagine 1251 with serine.
Molecular consequence: missense variant.
Genome position (GRCh38, 1-based): chr4:73,120,978, T>C on the plus strand (A>G on the coding strand, the complement: ANKRD17 is on the minus strand). VCF-style: chr4-73120978-T-C. GRCh37 (hg19) VCF-style: chr4-73986695-T-C.
Other names: NM_198889.3:c.2999A>G; c.3413A>G, p.Asn1138Ser (NM_001286771.3); c.3749A>G, p.Asn1250Ser (NM_015574.2); c.2999A>G, p.Asn1000Ser (NM_198889.3); short protein forms N1250S, N1000S, N1138S, N1251S.
Identifiers: ClinVar variation 3867249 (VCV003867249.2).

ClinVar aggregate classification (germline): Uncertain significance. Review status: criteria provided, multiple submitters, no conflicts (2 of 4 stars). 2 submissions from 2 submitters: Uncertain significance (2). Last evaluated 2026-03-05.

Conditions:
Chopra-Amiel-Gordon syndrome (CAGS). Also called: ANKRD17-Related Neurodevelopmental Syndrome. Identifiers: MedGen C5561975, MONDO:0859186, OMIM 619504.
Inborn genetic diseases. Identifiers: MedGen C0950123, MeSH D030342.

gnomAD v4.1: 3 of 1,613,854 alleles (0.00019%); highest among the groups gnomAD compares: Non-Finnish European, 0.00025%; no homozygotes.

Submissions (2):

Broad Center for Mendelian Genomics, Broad Institute of MIT and Harvard
Classification: Uncertain significance for Chopra-Amiel-Gordon syndrome. Last evaluated: 2026-03-05. Review status: criteria provided, single submitter. Criteria: ACMG Guidelines, 2015. Collection method: research. Allele origin: germline. Inheritance: Autosomal dominant inheritance. Study: GREGoR Consortium.
Comment: The p.Asn1251Ser variant in ANKRD17 has not been reported in the literature, but was confirmed de novo through trio whole genome sequencing in a child with IUGR, failure to thrive, metopic synostosis, microcephaly, recurrent ear infections resulting in hearing loss, gross motor and speech delay, mild hypotonia, and mild facial dysmorphism (Broad Institute Rare Genomes Project). This variant has been identified in 0.0003% (3/1179910) of European chromosomes by gnomAD. Computational prediction tools and conservation analyses do not provide strong support for or against an impact to the protein. However, the number of ANKRD17 missense variants in the general population is lower than expected (Z=7.01), providing some evidence that this variant may not be tolerated. In summary, the clinical significance of this variant is uncertain. ACMG/AMP Criteria applied: PS2_Moderate, PP2.

Ambry Genetics
Classification: Uncertain significance for Inborn genetic diseases. Last evaluated: 2025-02-11. Review status: criteria provided, single submitter. Criteria: Ambry Variant Classification Scheme 2023. Collection method: clinical testing. Allele origin: germline.